The following is an entry in ClinVar:

NM_130384.3(ATRIP):c.706G>A (p.Glu236Lys)

Genes: ATRIP (ATR interacting protein; plus strand), ATRIP-TREX1 (ATRIP-TREX1 readthrough; plus strand). Cytogenetic location: 3p21.31.
Variant type: single nucleotide variant.
Coding change: c.706G>A on transcript NM_130384.3 (MANE Select); coding-DNA position 706, G replaced by A.
Protein change: p.Glu236Lys; replaces glutamic acid 236 with lysine.
Molecular consequence: missense variant. On other transcripts: non-coding transcript variant (1).
Genome position (GRCh38, 1-based): chr3:48,457,293, G>A. VCF-style: chr3-48457293-G-A. GRCh37 (hg19) VCF-style: chr3-48498693-G-A.
Other names: c.325G>A, p.Glu109Lys (NM_001271022.2); c.427G>A, p.Glu143Lys (NM_001271023.2); c.706G>A, p.Glu236Lys (NM_032166.4); short protein forms E109K, E236K, E143K.
Identifiers: ClinVar variation 3464745 (VCV003464745.1).

ClinVar aggregate classification (germline): Uncertain significance (1 of 4 stars; one submission).

gnomAD v4.1: 12 of 1,600,052 alleles (0.00075%); highest among the groups gnomAD compares: African/African-American, 0.012%; no homozygotes.

Submission:

Ambry Genetics
Classification: Uncertain significance. Last evaluated: 2024-11-28. Review status: criteria provided, single submitter. Criteria: Ambry Variant Classification Scheme 2023. Collection method: clinical testing. Allele origin: germline.
Comment: The p.E236K variant (also known as c.706G>A), located in coding exon 5 of the ATRIP gene, results from a G to A substitution at nucleotide position 706. The glutamic acid at codon 236 is replaced by lysine, an amino acid with similar properties. This amino acid position is conserved. In addition, the in silico prediction for this alteration is inconclusive. Based on the available evidence, the clinical significance of this variant remains unclear.